The following is an entry in ClinVar:

ClinVar aggregate classification (germline): Uncertain significance (1 of 4 stars; one submission).

Conditions:
Jeune thoracic dystrophy. Also called: Short-rib thoracic dysplasia; Jeune syndrome; Infantile thoracic dystrophy; Thoracic pelvic phalangeal dystrophy; Jeune's syndrome; Chondroectodermal dysplasia-like syndrome. Identifiers: Orphanet 474, MedGen C0265275, MONDO:0018770.

Allele frequency attached by ClinVar (database versions not stated): gnomAD exomes below 0.00001; gnomAD 0.00001.
gnomAD v4.1: 7 of 1,612,676 alleles (0.00043%); highest among the groups gnomAD compares: Admixed American, 0.0017%; no homozygotes.

Submission:

Labcorp Genetics (formerly Invitae), Labcorp
Classification: Uncertain significance for Jeune thoracic dystrophy. Last evaluated: 2022-03-26. Review status: criteria provided, single submitter. Criteria: Invitae Variant Classification Sherloc (09022015). Collection method: clinical testing. Allele origin: germline.
Comment: In summary, the available evidence is currently insufficient to determine the role of this variant in disease. Therefore, it has been classified as a Variant of Uncertain Significance. Algorithms developed to predict the effect of missense changes on protein structure and function are either unavailable or do not agree on the potential impact of this missense change (SIFT: "Deleterious"; PolyPhen-2: "Benign"; Align-GVGD: "Class C45"). This variant has not been reported in the literature in individuals affected with IFT80-related conditions. This variant is present in population databases (no rsID available, gnomAD 0.01%). This sequence change replaces methionine, which is neutral and non-polar, with threonine, which is neutral and polar, at codon 616 of the IFT80 protein (p.Met616Thr).

NM_020800.3(IFT80):c.1847T>C (p.Met616Thr)

Genes: IFT80 (intraflagellar transport 80; minus strand), TRIM59-IFT80 (TRIM59-IFT80 readthrough (NMD candidate); minus strand). Cytogenetic location: 3q25.33.
Variant type: single nucleotide variant.
Coding change: c.1847T>C on transcript NM_020800.3 (MANE Select); coding-DNA position 1847, T replaced by C.
Protein change: p.Met616Thr; replaces methionine 616 with threonine.
Molecular consequence: missense variant. On other transcripts: non-coding transcript variant (3).
Genome position (GRCh38, 1-based): chr3:160,277,660, A>G on the plus strand (T>C on the coding strand, the complement: IFT80 is on the minus strand). VCF-style: chr3-160277660-A-G. GRCh37 (hg19) VCF-style: chr3-159995448-A-G.
Other names: c.1436T>C, p.Met479Thr (NM_001190241.2, NM_001190242.2); short protein forms M616T, M479T.
Identifiers: ClinVar variation 2117340 (VCV002117340.4), dbSNP rs1469008168, ClinGen allele CA355190683.